The following is an entry in ClinVar:

NM_152383.5(DIS3L2):c.2318T>C (p.Met773Thr)

Gene: DIS3L2 (DIS3 like 3'-5' exoribonuclease 2; plus strand). Cytogenetic location: 2q37.1.
Variant type: single nucleotide variant.
Coding change: c.2318T>C on transcript NM_152383.5 (MANE Select); coding-DNA position 2318, T replaced by C.
Protein change: p.Met773Thr; replaces methionine 773 with threonine.
Molecular consequence: missense variant. On other transcripts: non-coding transcript variant (2), intron variant (1).
Genome position (GRCh38, 1-based): chr2:232,334,659, T>C. VCF-style: chr2-232334659-T-C. GRCh37 (hg19) VCF-style: chr2-233199369-T-C.
Other names: c.1582-8686T>C (NM_001257281.2); short protein forms M773T.
Identifiers: ClinVar variation 1421861 (VCV001421861.6), dbSNP rs2106354661, ClinGen allele CA350977961.
Genomic context (GRCh38, chr2:232,334,659, plus strand): 5'-GAGGTGCCATGGCTGCAGCACTGTCCCTGCAGGAGAGTGGCCCCCTGGAGTCAGAAGCCA[T>C]GGTGATGGGCATCCTGAAGCAAGCCTTCGACGTGCTGGTGCTGCGCTACGGCGTGCAGAA-3'
Protein context (NP_689596.4, residues 763-783): KESGPLESEA[Met773Thr]VMGILKQAFD

ClinVar aggregate classification (germline): Uncertain significance (1 of 4 stars; one submission).

Conditions:
Perlman syndrome (PRLMNS). Identifiers: Orphanet 2849, MedGen C0796113, MONDO:0009965, OMIM 267000.

Submission:

Labcorp Genetics (formerly Invitae), Labcorp
Classification: Uncertain significance for Perlman syndrome. Last evaluated: 2021-09-23. Review status: criteria provided, single submitter. Criteria: Invitae Variant Classification Sherloc (09022015). Collection method: clinical testing. Allele origin: germline.
Comment: In summary, the available evidence is currently insufficient to determine the role of this variant in disease. Therefore, it has been classified as a Variant of Uncertain Significance. Algorithms developed to predict the effect of missense changes on protein structure and function (SIFT, PolyPhen-2, Align-GVGD) all suggest that this variant is likely to be tolerated. This variant has not been reported in the literature in individuals affected with DIS3L2-related conditions. This variant is not present in population databases (ExAC no frequency). This sequence change replaces methionine with threonine at codon 773 of the DIS3L2 protein (p.Met773Thr). The methionine residue is moderately conserved and there is a moderate physicochemical difference between methionine and threonine.